The following is an entry in ClinVar:

ClinVar aggregate classification (germline): Conflicting classifications of pathogenicity. Review status: criteria provided, conflicting classifications (1 of 4 stars). 2 submissions from 2 submitters: Uncertain significance (1); Likely benign (1). Last evaluated 2026-01-22.

Submissions (2):

GeneDx
Classification: Likely benign. Last evaluated: 2026-01-22. Review status: criteria provided, single submitter. Criteria: GeneDx Variant Classification Process June 2021. Collection method: clinical testing. Allele origin: germline. Affected: yes.
Comment: See Variant Classification Assertion Criteria.

Genetic Services Laboratory, University of Chicago
Classification: Uncertain significance. Last evaluated: 2015-05-29. Review status: criteria provided, single submitter. Criteria: ACMG Guidelines, 2015. Collection method: clinical testing. Allele origin: germline. Affected: no.

NM_014141.6(CNTNAP2):c.3716-5_3716-4insCTGT

Gene: CNTNAP2 (contactin associated protein 2; plus strand). Cytogenetic location: 7q36.1.
Variant type: Duplication.
Coding change: c.3716-5_3716-4insCTGT on transcript NM_014141.6 (MANE Select); 5 bases into the intron before coding-DNA position 3716 through 4 bases into the intron before coding-DNA position 3716, CTGT inserted.
Molecular consequence: intron variant.
Genome position: GRCh38 VCF-style: chr7-148409385-C-CTCTG. GRCh37 (hg19) VCF-style: chr7-148106477-C-CTCTG.
Identifiers: ClinVar variation 434800 (VCV000434800.10), dbSNP rs60451214, ClinGen allele CA578630717.
Genomic context (GRCh38, chr7:148,409,385, plus strand): 5'-GGTATCAAATTATTTGGGATCAATAGTATACTTGACTCTGACACTTGACTCTTTCTTTCT[C>CTCTG]TACAGCCAGTGCGGATTTTCCATATAATCCAGGACAAGGCCAAGCTATAAGAAATGGAGT-3'